The following is an entry in ClinVar:

NM_017752.3(TBC1D8B):c.756T>G (p.Ile252Met)

Gene: TBC1D8B (TBC1 domain family member 8B; plus strand). Cytogenetic location: Xq22.3.
Variant type: single nucleotide variant.
Coding change: c.756T>G on transcript NM_017752.3 (MANE Select); coding-DNA position 756, T replaced by G.
Protein change: p.Ile252Met; replaces isoleucine 252 with methionine.
Molecular consequence: missense variant.
Genome position (GRCh38, 1-based): chrX:106,823,395, T>G. VCF-style: chrX-106823395-T-G. GRCh37 (hg19) VCF-style: chrX-106066625-T-G.
Other names: c.756T>G, p.Ile252Met (NM_001441214.1, NM_198881.2); c.462T>G, p.Ile154Met (NM_001441215.1); short protein forms I154M, I252M.
Identifiers: ClinVar variation 4085343 (VCV004085343.8).

ClinVar aggregate classification (germline): Uncertain significance (1 of 4 stars; one submission).

Submission:

CeGaT Center for Human Genetics Tuebingen
Classification: Uncertain significance. Last evaluated: 2025-07-01. Review status: criteria provided, single submitter. Criteria: CeGaT Center For Human Genetics Tuebingen Variant Classification Criteria Version 2. Collection method: clinical testing. Allele origin: germline. Affected: yes. Observed: 1 variant allele.
Comment: TBC1D8B: PM2, BP4